The following is an entry in ClinVar:

NM_031448.6(C19orf12):c.376G>A (p.Val126Met)

Gene: C19orf12 (chromosome 19 open reading frame 12; minus strand). Cytogenetic location: 19q12.
Variant type: single nucleotide variant.
Coding change: c.376G>A on transcript NM_031448.6 (MANE Select); coding-DNA position 376, G replaced by A.
Protein change: p.Val126Met; replaces valine 126 with methionine.
Molecular consequence: missense variant. On other transcripts: nonsense (1).
Genome position (GRCh38, 1-based): chr19:29,702,762, C>T on the plus strand (G>A on the coding strand, the complement: C19orf12 is on the minus strand). VCF-style: chr19-29702762-C-T. GRCh37 (hg19) VCF-style: chr19-30193669-C-T.
Other names: c.376G>A, p.Val126Met (NM_001031726.4, NM_001256047.2); c.321G>A, p.Trp107Ter (NM_001256046.3); c.184G>A, p.Val62Met (NM_001282929.1, NM_001282930.3, NM_001282931.3); short protein forms V126M, V62M, V137M, W107*.
Identifiers: ClinVar variation 849496 (VCV000849496.9), dbSNP rs779790146, ClinGen allele CA9351872.

ClinVar aggregate classification (germline): Uncertain significance. Review status: criteria provided, multiple submitters, no conflicts (2 of 4 stars). 2 submissions from 2 submitters: Uncertain significance (2). Last evaluated 2026-01-19.

Conditions:
Hereditary spastic paraplegia 43. Also called: Spastic paraplegia 43, autosomal recessive. Identifiers: Orphanet 320370, MedGen C2680446, MONDO:0014024, OMIM 615043.

Allele frequency attached by ClinVar (database versions not stated): gnomAD 0.00003 and 0.00004; TOPMed 0.00007; ExAC 0.00010; gnomAD exomes 0.00014.

Submissions (2):

Labcorp Genetics (formerly Invitae), Labcorp
Classification: Uncertain significance for Hereditary spastic paraplegia 43. Last evaluated: 2026-01-19. Review status: criteria provided, single submitter. Criteria: Invitae Variant Classification Sherloc (09022015). Collection method: clinical testing. Allele origin: germline.
Comment: This sequence change replaces valine, which is neutral and non-polar, with methionine, which is neutral and non-polar, at codon 137 of the C19orf12 protein (p.Val137Met). This variant is present in population databases (rs779790146, gnomAD 0.09%). This variant has not been reported in the literature in individuals affected with C19orf12-related conditions. ClinVar contains an entry for this variant (Variation ID: 849496). An algorithm developed to predict the effect of missense changes on protein structure and function (PolyPhen-2) suggests that this variant is likely to be tolerated. In summary, the available evidence is currently insufficient to determine the role of this variant in disease. Therefore, it has been classified as a Variant of Uncertain Significance.

GeneDx
Classification: Uncertain significance. Last evaluated: 2022-03-11. Review status: criteria provided, single submitter. Criteria: GeneDx Variant Classification Process June 2021. Collection method: clinical testing. Allele origin: germline. Affected: yes.
Comment: In silico analysis supports that this missense variant does not alter protein structure/function; Has not been previously published as pathogenic or benign to our knowledge